The following is an entry in ClinVar:

NM_001110556.2(FLNA):c.4875C>T (p.Asp1625=)

Gene: FLNA (filamin A; minus strand). Cytogenetic location: Xq28.
Variant type: single nucleotide variant.
Coding change: c.4875C>T on transcript NM_001110556.2 (MANE Select); coding-DNA position 4875, C replaced by T.
Protein change: p.Asp1625=; no amino-acid change (aspartic acid 1625 retained).
Molecular consequence: synonymous variant.
Genome position (GRCh38, 1-based): chrX:154,357,504, G>A on the plus strand (C>T on the coding strand, the complement: FLNA is on the minus strand). VCF-style: chrX-154357504-G-A. GRCh37 (hg19) VCF-style: chrX-153585872-G-A.
Other names: p.Asp1625=; c.4875C>T, p.Asp1625= (NM_001456.4); c.4875C>T (NM_001110556.1).
Identifiers: ClinVar variation 1208171 (VCV001208171.16), dbSNP rs371008940, ClinGen allele CA10560452.

ClinVar aggregate classification (germline): Likely benign. Review status: criteria provided, multiple submitters, no conflicts (2 of 4 stars). 5 submissions from 5 submitters: Likely benign (4). 1 of the submissions does not count toward it. Last evaluated 2025-04-28.

Conditions:
Heterotopia, periventricular, X-linked dominant (PVNH1). Also called: PERIVENTRICULAR NODULAR HETEROTOPIA 1; X-linked periventricular heterotopia; PERIVENTRICULAR NODULAR HETEROTOPIA 4; HETEROTOPIA, PERIVENTRICULAR, 1. Identifiers: Orphanet 2149, Orphanet 82004, MedGen C1848213, MONDO:0010233, OMIM 300049.
Melnick-Needles syndrome (MNS). Also called: MELNICK-NEEDLES OSTEODYSPLASTY; OSTEODYSPLASTY OF MELNICK AND NEEDLES; Melnick-Needles Syndrome (FLNA-MNS). Identifiers: Orphanet 2484, MedGen C0025237, MONDO:0010650, OMIM 309350.
Frontometaphyseal dysplasia (FMD1). Identifiers: Orphanet 1826, MedGen C0265293, MONDO:0015942.
Oto-palato-digital syndrome, type II (OPD2). Also called: FACIOPALATOOSSEOUS SYNDROME; OPD II SYNDROME; Otopalatodigital Syndrome Type 2 (FLNA-OPD2); Otopalatodigital Syndrome, Type II. Identifiers: Orphanet 669, Orphanet 90652, MedGen C1844696, MONDO:0010571, OMIM 304120.
Familial thoracic aortic aneurysm and aortic dissection (TAAD). Also called: Thoracic aortic aneurysms and dissections. Identifiers: Orphanet 91387, MedGen C4707243, MONDO:0019625.
FLNA-related disorder.

Allele frequency attached by ClinVar (database versions not stated): ExAC 0.00001; gnomAD exomes 0.00001 and 0.00002; gnomAD 0.00002 and 0.00003; ESP Exome Variant Server 0.00010; 1000 Genomes Project 30x 0.00021.
gnomAD v4.1: 18 of 1,210,667 alleles (0.0015%); highest among the groups gnomAD compares: African/African-American, 0.0087%; no homozygotes.

Submissions (5):

Mayo Clinic Laboratories, Mayo Clinic
Classification: Likely benign. Last evaluated: 2025-04-28. Review status: criteria provided, single submitter. Criteria: ACMG Guidelines, 2015. Collection method: clinical testing. Allele origin: germline. Observed: 2 variant alleles.
Comment: BP4, BP7

Labcorp Genetics (formerly Invitae), Labcorp
Classification: Likely benign for Oto-palato-digital syndrome, type II; Heterotopia, periventricular, X-linked dominant; Frontometaphyseal dysplasia; Melnick-Needles syndrome. Last evaluated: 2024-11-27. Review status: criteria provided, single submitter. Criteria: Invitae Variant Classification Sherloc (09022015). Collection method: clinical testing. Allele origin: germline.

GeneDx
Classification: Likely benign. Last evaluated: 2021-06-13. Review status: criteria provided, single submitter. Criteria: GeneDx Variant Classification Process June 2021. Collection method: clinical testing. Allele origin: germline. Affected: yes.

Ambry Genetics
Classification: Likely benign for Familial thoracic aortic aneurysm and aortic dissection. Last evaluated: 2020-12-23. Review status: criteria provided, single submitter. Criteria: Ambry Variant Classification Scheme 2023. Collection method: clinical testing. Allele origin: germline.

PreventionGenetics, part of Exact Sciences
Classification: Likely benign for FLNA-related condition. Last evaluated: 2020-04-01. Review status: no assertion criteria provided. Collection method: clinical testing. Allele origin: germline. Not counted in ClinVar's aggregate classification.
Comment: This variant is classified as likely benign based on ACMG/AMP sequence variant interpretation guidelines (Richards et al. 2015 PMID: 25741868, with internal and published modifications).